The following is an entry in ClinVar:

NM_006514.4(SCN10A):c.139C>T (p.Gln47Ter)

Gene: SCN10A (sodium voltage-gated channel alpha subunit 10; minus strand). Cytogenetic location: 3p22.2.
Variant type: single nucleotide variant.
Coding change: c.139C>T on transcript NM_006514.4 (MANE Select); coding-DNA position 139, C replaced by T.
Protein change: p.Gln47Ter; replaces glutamine 47 with a stop codon.
Molecular consequence: nonsense.
Genome position (GRCh38, 1-based): chr3:38,793,872, G>A on the plus strand (C>T on the coding strand, the complement: SCN10A is on the minus strand). VCF-style: chr3-38793872-G-A. GRCh37 (hg19) VCF-style: chr3-38835363-G-A.
Other names: c.139C>T, p.Gln47Ter (NM_001293306.2, NM_001293307.2); short protein forms Q47*.
Identifiers: ClinVar variation 1771731 (VCV001771731.2), dbSNP rs2064317968, ClinGen allele CA352162999.
Genomic context (GRCh38, chr3:38,793,872, plus strand): 5'-AGAACTTGGGCAGCTGGTTGCAGGCTTTCAAGTCCAGCTGGGGCCGAGGCTTCTCTTCTT[G>A]GTCCTTCTGCTCCCTATGCTTCTCTCTGGCTTTCTTTGTTCCCTGCTTGGCAGCAATTTG-3'

ClinVar aggregate classification (germline): Uncertain significance (1 of 4 stars; one submission).

Conditions:
Cardiovascular phenotype. Identifiers: MedGen CN230736.

Allele frequency attached by ClinVar (database versions not stated): TOPMed below 0.00001.

Submission:

Ambry Genetics
Classification: Uncertain significance for Cardiovascular phenotype. Last evaluated: 2021-06-08. Review status: criteria provided, single submitter. Criteria: Ambry Variant Classification Scheme 2023. Collection method: clinical testing. Allele origin: germline.
Comment: The p.Q47* variant (also known as c.139C>T), located in coding exon 1 of the SCN10A gene, results from a C to T substitution at nucleotide position 139. This changes the amino acid from a glutamine to a stop codon within coding exon 1. This alteration is expected to result in premature protein truncation or nonsense-mediated mRNA decay. However, loss of function of SCN10A has not been clearly established as a mechanism of disease. Since supporting evidence is limited at this time, the clinical significance of this alteration remains unclear.